The following is an entry in ClinVar:

ClinVar aggregate classification (germline): Uncertain significance (1 of 4 stars; one submission).

Allele frequency attached by ClinVar (database versions not stated): gnomAD 0.00001; gnomAD exomes 0.00001; TOPMed 0.00002.
gnomAD v4.1: 19 of 1,613,886 alleles (0.0012%); highest among the groups gnomAD compares: African/African-American, 0.004%; no homozygotes.

Submission:

Labcorp Genetics (formerly Invitae), Labcorp
Classification: Uncertain significance. Last evaluated: 2025-10-01. Review status: criteria provided, single submitter. Criteria: Invitae Variant Classification Sherloc (09022015). Collection method: clinical testing. Allele origin: germline.
Comment: This sequence change replaces valine, which is neutral and non-polar, with isoleucine, which is neutral and non-polar, at codon 450 of the POLR3A protein (p.Val450Ile). This variant is present in population databases (no rsID available, gnomAD 0.007%). This variant has not been reported in the literature in individuals affected with POLR3A-related conditions. ClinVar contains an entry for this variant (Variation ID: 1911518). Invitae Evidence Modeling of protein sequence and biophysical properties (such as structural, functional, and spatial information, amino acid conservation, physicochemical variation, residue mobility, and thermodynamic stability) indicates that this missense variant is not expected to disrupt POLR3A protein function with a negative predictive value of 80%. In summary, the available evidence is currently insufficient to determine the role of this variant in disease. Therefore, it has been classified as a Variant of Uncertain Significance.

NM_007055.4(POLR3A):c.1348G>A (p.Val450Ile)

Gene: POLR3A (RNA polymerase III subunit A; minus strand). Cytogenetic location: 10q22.3.
Variant type: single nucleotide variant.
Coding change: c.1348G>A on transcript NM_007055.4 (MANE Select); coding-DNA position 1348, G replaced by A.
Protein change: p.Val450Ile; replaces valine 450 with isoleucine.
Molecular consequence: missense variant.
Genome position (GRCh38, 1-based): chr10:78,017,658, C>T on the plus strand (G>A on the coding strand, the complement: POLR3A is on the minus strand). VCF-style: chr10-78017658-C-T. GRCh37 (hg19) VCF-style: chr10-79777416-C-T.
Other names: short protein forms V450I.
Identifiers: ClinVar variation 1911518 (VCV001911518.5), dbSNP rs1455388103, ClinGen allele CA377343107.
Genomic context (GRCh38, chr10:78,017,658, plus strand): 5'-TGTGCAGCGAGGGCTGCCGATTGAACAGCACCACATCTCCATCGATGAGGTGTCTCTCTA[C>T]GATGTCACCATACTTGAGCTCTTGAGCCATCTTTTCTCGATTTCCGTATTTCAAAAACCT-3'
Protein context (NP_008986.2, residues 440-460): MAQELKYGDI[Val450Ile]ERHLIDGDVV